The following is an entry in ClinVar:

NM_000038.6(APC):c.834+3276T>G

Gene: APC (APC regulator of WNT signaling pathway; plus strand). Cytogenetic location: 5q22.2.
Variant type: single nucleotide variant.
Coding change: c.834+3276T>G on transcript NM_000038.6 (MANE Select); 3276 bases into the intron after coding-DNA position 834, T replaced by G.
Molecular consequence: intron variant.
Genome position (GRCh38, 1-based): chr5:112,804,659, T>G. VCF-style: chr5-112804659-T-G. GRCh37 (hg19) VCF-style: chr5-112140356-T-G.
Other names: c.834+3276T>G (NM_001354895.2, NM_001127510.3, NM_001354896.2 and 1 more transcripts); c.864+3276T>G (NM_001354897.2, NM_001354902.2); c.780+3276T>G (NM_001127511.3); c.759+3276T>G (NM_001354898.2, NM_001354904.2); c.-202+3276T>G (NM_001354906.2); c.750+3276T>G (NM_001354899.2); c.657+3276T>G (NM_001354900.2, NM_001354901.2, NM_001354905.2).
Identifiers: ClinVar variation 83050 (VCV000083050.2), dbSNP rs75020201, ClinGen allele CA014693.

ClinVar aggregate classification (germline): other (0 of 4 stars; one submission).

Conditions:
Familial colorectal cancer. Identifiers: MedGen CN280943, MONDO:0023113. Disease mechanism: loss of function.

Submission:

Systems Biology Platform Zhejiang California International NanoSystems Institute
Classification: other for Familial colorectal cancer. Review status: no assertion criteria provided. Collection method: not provided. Allele origin: unknown.
ClinVar note: Converted during submission from cancer to other.